The following is an entry in ClinVar:

ClinVar aggregate classification (germline): Uncertain significance (1 of 4 stars; one submission).

gnomAD v4.1: 2 of 1,614,250 alleles (0.00012%); highest among the groups gnomAD compares: Non-Finnish European, 0.00017%; no homozygotes.

Submission:

Ambry Genetics
Classification: Uncertain significance. Last evaluated: 2025-02-15. Review status: criteria provided, single submitter. Criteria: Ambry Variant Classification Scheme 2023. Collection method: clinical testing. Allele origin: germline.
Comment: The p.E79K variant (also known as c.235G>A), located in coding exon 1 of the RNF43 gene, results from a G to A substitution at nucleotide position 235. The glutamic acid at codon 79 is replaced by lysine, an amino acid with similar properties. This amino acid position is conserved. In addition, this alteration is predicted to be tolerated by in silico analysis. Based on the available evidence, the clinical significance of this variant remains unclear.

NM_017763.6(RNF43):c.235G>A (p.Glu79Lys)

Gene: RNF43 (ring finger protein 43; minus strand). Cytogenetic location: 17q22.
Variant type: single nucleotide variant.
Coding change: c.235G>A on transcript NM_017763.6 (MANE Select); coding-DNA position 235, G replaced by A.
Protein change: p.Glu79Lys; replaces glutamic acid 79 with lysine.
Molecular consequence: missense variant.
Genome position (GRCh38, 1-based): chr17:58,415,343, C>T on the plus strand (G>A on the coding strand, the complement: RNF43 is on the minus strand). VCF-style: chr17-58415343-C-T. GRCh37 (hg19) VCF-style: chr17-56492704-C-T.
Other names: c.235G>A, p.Glu79Lys (NM_001305544.3); short protein forms E79K.
Identifiers: ClinVar variation 3789943 (VCV003789943.1).